The following is an entry in ClinVar:

ClinVar aggregate classification (germline): Conflicting classifications of pathogenicity. Review status: criteria provided, conflicting classifications (1 of 4 stars). 4 submissions from 4 submitters: Likely pathogenic (1); Uncertain significance (3). Last evaluated 2025-04-03.

Conditions:
TCF12-related disorder. Also called: TCF12-related condition.
TCF12-related craniosynostosis. Also called: Craniosynostosis 3. Identifiers: Orphanet 35098, Orphanet 35099, Orphanet 672979, MedGen C3715051, MONDO:0014128, OMIM 615314.

Allele frequency attached by ClinVar (database versions not stated): gnomAD exomes below 0.00001; TOPMed below 0.00001.
gnomAD v4.1: 2 of 1,614,190 alleles (0.00012%); highest among the groups gnomAD compares: Non-Finnish European, 0.00017%; no homozygotes.

Submissions (4):

3billion
Classification: Uncertain significance for TCF12-related disorder. Last evaluated: 2025-04-03. Review status: criteria provided, single submitter. Criteria: ACMG Guidelines, 2015. Collection method: clinical testing. Allele origin: germline. Affected: yes.

Victorian Clinical Genetics Services, Murdoch Childrens Research Institute
Classification: Uncertain significance for TCF12-related craniosynostosis. Last evaluated: 2023-12-21. Review status: criteria provided, single submitter. Criteria: ACMG Guidelines, 2015. Collection method: clinical testing. Allele origin: germline. Inheritance: Autosomal dominant inheritance. Affected: no.
Comment: Based on the classification scheme VCGS_Germline_v1.3.4, this variant is classified as VUS-3B Following criteria are met: 0102 - Loss of function is a known mechanism of disease in this gene and is associated with hypogonadotropic hypogonadism 26 with or without anosmia (MIM#619718), and craniosynostosis 3 (MIM#615314). There is no genotype phenotype correlation, where the same variant can cause both phenotypes or a blend (PMID:32620954). (I) 0108 - This gene is associated with both recessive and dominant disease. (I) 0112 - The condition associated with this gene has incomplete penetrance, where an unaffected heterozygous parent had affected heterozygous children (PMID: 32620954). (I) 0200 - Variant is predicted to result in a missense amino acid change from arginine to glutamine. (I) 0251 - This variant is heterozygous. (I) 0301 - Variant is absent from gnomAD (both v2 and v3). (SP) 0309 - An alternative amino acid change at the same position has been observed in gnomAD (v2) (1 heterozygote, 0 homozygotes). (I) 0501 - Missense variant consistently predicted to be damaging by multiple in silico tools or highly conserved with a major amino acid change. (SP) 0600 - Variant is located in the annotated HLH domain (DECIPHER). (I) 0708 - Another missense variant comparable to the one identified in this case has conflicting previous evidence for pathogenicity. An alternative change (p.(R603W)), was reported in ClinVar once as VUS, and once as de novo and likely pathogenic (ClinVar). (I) 0802 - This variant has moderate previous evidence of pathogenicity in unrelated individuals. It has been reported as likely pathogenic and as a VUS (ClinVar, PMID:33004838). This variant was also reported as de novo and a VUS in an individual with growth delay, hearing loss and absent seizures who had another alternate diagnosis, and as de novo and likely pathogenic in an individual with congenital diaphragmatic hernia, hypotonia and asymmetric ventriculomegaly (PMID:33004838, 32693025, 33461977). (SP) 0905 - No published segregation evidence has been identified for this variant. (I) 1007 - No published functional evidence has been identified for this variant. (SP) Legend: (SP) - Supporting pathogenic, (I) - Information, (SB) - Supporting benign

GeneDx
Classification: Uncertain significance. Last evaluated: 2022-01-05. Review status: criteria provided, single submitter. Criteria: GeneDx Variant Classification Process June 2021. Collection method: clinical testing. Allele origin: germline. Affected: yes.
Comment: Reported in a patient who had an alternate explanation for disease (Guillen Sacoto et al., 2020) and in two siblings with a neurodevelopmental disorder who inherited the variant from an unaffected parent (Wang et al., 2020); In silico analysis supports that this missense variant has a deleterious effect on protein structure/function; Not observed at significant frequency in large population cohorts (gnomAD); This variant is associated with the following publications: (PMID: 33547006, 32693025, 33004838)

Daryl Scott Lab, Baylor College of Medicine
Classification: Likely pathogenic for TCF12-related craniosynostosis. Last evaluated: 2020-11-11. Review status: criteria provided, single submitter. Criteria: ACMG Guidelines, 2015. Collection method: clinical testing. Allele origin: de novo. Observed: 1 variant allele.

Literature cited by the submitters: PubMed 33547006 (cited by 3billion); PubMed 32629054 (cited by Victorian Clinical Genetics Services, Murdoch Childrens Research Institute); PubMed 32693025 (cited by Victorian Clinical Genetics Services, Murdoch Childrens Research Institute); PubMed 33004838 (cited by Victorian Clinical Genetics Services, Murdoch Childrens Research Institute); PubMed 33461977 (cited by Victorian Clinical Genetics Services, Murdoch Childrens Research Institute and Daryl Scott Lab, Baylor College of Medicine); PubMed 32620954 (cited by Victorian Clinical Genetics Services, Murdoch Childrens Research Institute).

NM_207037.2(TCF12):c.1808G>A (p.Arg603Gln)

Gene: TCF12 (transcription factor 12; plus strand). Cytogenetic location: 15q21.3.
Variant type: single nucleotide variant.
Coding change: c.1808G>A on transcript NM_207037.2 (MANE Select); coding-DNA position 1808, G replaced by A.
Protein change: p.Arg603Gln; replaces arginine 603 with glutamine.
Molecular consequence: missense variant.
Genome position (GRCh38, 1-based): chr15:57,273,092, G>A. VCF-style: chr15-57273092-G-A. GRCh37 (hg19) VCF-style: chr15-57565290-G-A.
Other names: c.1808G>A (NM_207036.1, NM_207037.1); c.1298G>A, p.Arg433Gln (NM_001306219.3); c.1028G>A, p.Arg343Gln (NM_001306220.3); c.1808G>A, p.Arg603Gln (NM_001322151.2, NM_001322159.3, NM_001322162.2 and 1 more transcripts); c.1805G>A, p.Arg602Gln (NM_001322152.2, NM_001322161.2); c.1736G>A, p.Arg579Gln (NM_207038.2, NM_001322157.3, NM_001322165.2 and 1 more transcripts); c.1226G>A, p.Arg409Gln (NM_207040.2); c.1151G>A, p.Arg384Gln (NM_001322154.2); and 3 more; short protein forms R343Q, R384Q, R409Q, R433Q, R521Q, R545Q, R579Q, R591Q.
Identifiers: ClinVar variation 987901 (VCV000987901.5), dbSNP rs1349009265, ClinGen allele CA392592027.
Genomic context (GRCh38, chr15:57,273,092, plus strand): 5'-GTACTAATGAAGATGAGGATTTGAACCCTGAACAGAAGATAGAAAGGGAGAAGGAGAGGC[G>A]GATGGCTAACAATGCCAGAGAACGCTTACGCGTGCGGGATATTAATGAAGCATTCAAAGA-3'
Protein context (NP_996920.1, residues 593-613): EQKIEREKER[Arg603Gln]MANNARERLR